The following is an entry in ClinVar:

ClinVar aggregate classification (germline): Uncertain significance (1 of 4 stars; one submission).

Submission:

Labcorp Genetics (formerly Invitae), Labcorp
Classification: Uncertain significance. Last evaluated: 2022-08-15. Review status: criteria provided, single submitter. Criteria: Invitae Variant Classification Sherloc (09022015). Collection method: clinical testing. Allele origin: germline.
Comment: This sequence change replaces histidine, which is basic and polar, with glutamine, which is neutral and polar, at codon 2090 of the DMXL2 protein (p.His2090Gln). This variant is not present in population databases (gnomAD no frequency). This variant has not been reported in the literature in individuals affected with DMXL2-related conditions. Algorithms developed to predict the effect of missense changes on protein structure and function are either unavailable or do not agree on the potential impact of this missense change (SIFT: "Tolerated"; PolyPhen-2: "Possibly Damaging"; Align-GVGD: "Class C0"). In summary, the available evidence is currently insufficient to determine the role of this variant in disease. Therefore, it has been classified as a Variant of Uncertain Significance.

NM_001378457.1(DMXL2):c.6270T>A (p.His2090Gln)

Gene: DMXL2 (Dmx like 2; minus strand). Cytogenetic location: 15q21.2.
Variant type: single nucleotide variant.
Coding change: c.6270T>A on transcript NM_001378457.1 (MANE Select); coding-DNA position 6270, T replaced by A.
Protein change: p.His2090Gln; replaces histidine 2090 with glutamine.
Molecular consequence: missense variant. On other transcripts: non-coding transcript variant (2).
Genome position (GRCh38, 1-based): chr15:51,480,836, A>T on the plus strand (T>A on the coding strand, the complement: DMXL2 is on the minus strand). VCF-style: chr15-51480836-A-T. GRCh37 (hg19) VCF-style: chr15-51773033-A-T.
Other names: c.6270T>A, p.His2090Gln (NM_001174116.3, NM_001378458.1, NM_001378459.1 and 4 more transcripts); c.4362T>A, p.His1454Gln (NM_001174117.3); c.4251T>A, p.His1417Gln (NM_001378460.1); c.6030T>A, p.His2010Gln (NM_001378464.1); short protein forms H1417Q, H1454Q, H2010Q, H2090Q.
Identifiers: ClinVar variation 2074861 (VCV002074861.3), dbSNP rs2548446830, ClinGen allele CA392443974.